The following is an entry in ClinVar:

ClinVar aggregate classification (germline): Uncertain significance. Review status: criteria provided, multiple submitters, no conflicts (2 of 4 stars). 3 submissions from 3 submitters: Uncertain significance (3). Last evaluated 2026-08-10.

Conditions:
Glycogen storage disease, type V (GSD5). Also called: PYGM DEFICIENCY; McArdle type glycogen storage disease; MCARDLE DISEASE; MUSCLE GLYCOGEN PHOSPHORYLASE DEFICIENCY; MYOPHOSPHORYLASE DEFICIENCY. Identifiers: Orphanet 368, MedGen C0017924, MONDO:0009293, OMIM 232600.

Allele frequency attached by ClinVar (database versions not stated): gnomAD 0.00003; gnomAD exomes 0.00005 and 0.00006; TOPMed 0.00005; ExAC 0.00007.
gnomAD v4.1: 79 of 1,614,102 alleles (0.0049%); highest among the groups gnomAD compares: Non-Finnish European, 0.0064%; no homozygotes.

Submissions (3):

Myriad Genetics, Inc.
Classification: Uncertain significance for Glycogen storage disease, type V. Last evaluated: 2026-08-10. Review status: criteria provided, single submitter. Criteria: Myriad Autosomal Dominant, Autosomal Recessive and X-Linked Classification Criteria (2023). Collection method: clinical testing. Allele origin: unknown.
Comment: NM_005609.2(PYGM):c.1580A>G(D527G) is a missense variant classified as a variant of uncertain significance in the context of glycogen storage disease, PYGM-related. D527G has been observed in a case with relevant disease (PMID: 40294637). Relevant functional assessments of this variant are not available in the literature. D527G has been observed in referenced population frequency databases. In summary, there is insufficient evidence to classify NM_005609.2(PYGM):c.1580A>G(D527G) as pathogenic or benign. Please note: this variant was assessed in the context of healthy population screening.

Fulgent Genetics
Classification: Uncertain significance for Glycogen storage disease, type V. Last evaluated: 2024-03-06. Review status: criteria provided, single submitter. Criteria: ACMG Guidelines, 2015. Collection method: clinical testing. Allele origin: germline.

Labcorp Genetics (formerly Invitae), Labcorp
Classification: Uncertain significance for Glycogen storage disease, type V. Last evaluated: 2021-11-17. Review status: criteria provided, single submitter. Criteria: Invitae Variant Classification Sherloc (09022015). Collection method: clinical testing. Allele origin: germline.
Comment: This sequence change replaces aspartic acid, which is acidic and polar, with glycine, which is neutral and non-polar, at codon 527 of the PYGM protein (p.Asp527Gly). This variant is present in population databases (rs775496411, gnomAD 0.01%). This variant has not been reported in the literature in individuals affected with PYGM-related conditions. Algorithms developed to predict the effect of missense changes on protein structure and function are either unavailable or do not agree on the potential impact of this missense change (SIFT: "Not Available"; PolyPhen-2: "Benign"; Align-GVGD: "Not Available"). In summary, the available evidence is currently insufficient to determine the role of this variant in disease. Therefore, it has been classified as a Variant of Uncertain Significance.

Literature cited by the submitters: PubMed 40294637 (cited by Myriad Genetics, Inc.).

NM_005609.4(PYGM):c.1580A>G (p.Asp527Gly)

Gene: PYGM (glycogen phosphorylase, muscle associated; minus strand). Cytogenetic location: 11q13.1.
Variant type: single nucleotide variant.
Coding change: c.1580A>G on transcript NM_005609.4 (MANE Select); coding-DNA position 1580, A replaced by G.
Protein change: p.Asp527Gly; replaces aspartic acid 527 with glycine.
Molecular consequence: missense variant.
Genome position (GRCh38, 1-based): chr11:64,752,443, T>C on the plus strand (A>G on the coding strand, the complement: PYGM is on the minus strand). VCF-style: chr11-64752443-T-C. GRCh37 (hg19) VCF-style: chr11-64519915-T-C.
Other names: c.1316A>G, p.Asp439Gly (NM_001164716.1); short protein forms D439G, D527G.
Identifiers: ClinVar variation 1433480 (VCV001433480.5), dbSNP rs775496411, ClinGen allele CA6079807.
Genomic context (GRCh38, chr11:64,752,443, plus strand): 5'-CACATTGCATCTCTCCCCACCTGCTTCACTTTGGCCACATCCCGAATGAAAGCTTCATCA[T>C]CCACAAAGGAGAGCAGTTTGCGCAGCTGGTCCAGGTCAGAGATGAAGTCCTCCCCGATGC-3'
Protein context (NP_005600.1, residues 517-537): DQLRKLLSFV[Asp527Gly]DEAFIRDVAK